The following is an entry in ClinVar:

ClinVar aggregate classification (germline): Uncertain significance (1 of 4 stars; one submission).

Conditions:
Neurodevelopmental disorder. Identifiers: MedGen C1535926, MeSH D065886, MONDO:0700092.

Submission:

Victorian Clinical Genetics Services, Murdoch Childrens Research Institute
Classification: Uncertain significance for Neurodevelopmental disorder. Last evaluated: 2025-11-24. Review status: criteria provided, single submitter. Criteria: ACMG Guidelines, 2015. Collection method: clinical testing. Allele origin: germline. Affected: yes.
Comment: This variant is classified as VUS-3B. Evidence in support of pathogenic classification: Canonical splice site variant without proven consequence on splicing (no functional evidence available); Variant is absent from gnomAD (v2, v3 and v4); Abnormal splicing is predicted by in silico tool and affected nucleotide is highly conserved. Additional information: This variant is heterozygous; This gene is associated with autosomal dominant disease (PMID: 33283965), however this association is not well established (PanelApp Australia). - This variant has no previous evidence of pathogenicity; No published evidence of segregation with disease has been identified for this variant; No published functional evidence has been identified for this variant; No comparable splice site variants have previous evidence for pathogenicity; The mechanism of disease for this gene is not clearly established.

Literature cited by the submitters: PubMed 33283965.

NM_007245.4(ATXN2L):c.2172+1G>T

Gene: ATXN2L (ataxin 2 like; plus strand). Cytogenetic location: 16p11.2.
Variant type: single nucleotide variant.
Coding change: c.2172+1G>T on transcript NM_007245.4 (MANE Select); the canonical splice donor site of the intron after coding-DNA position 2172, G replaced by T.
Molecular consequence: splice donor variant.
Genome position (GRCh38, 1-based): chr16:28,834,212, G>T. VCF-style: chr16-28834212-G-T. GRCh37 (hg19) VCF-style: chr16-28845533-G-T.
Other names: c.2190+1G>T (NM_001387171.1, NM_001387181.1, NM_001387172.1 and 8 more transcripts); c.2118+1G>T (NM_001387197.1, NM_001387200.1); c.2172+1G>T (NM_001387178.1, NM_001387183.1, NM_001387184.1 and 20 more transcripts); c.2100+1G>T (NM_001387186.1, NM_001387188.1, NM_001387179.1 and 2 more transcripts); c.2103+1G>T (NM_001387187.1, NM_001387199.1); c.1983+1G>T (NM_001387203.1).
Identifiers: ClinVar variation 4531602 (VCV004531602.2).
Genomic context (GRCh38, chr16:28,834,212, plus strand): 5'-CTATACAGCCCCCAGTACATCTCCTACATACCTCAGATCCACATGGGACCAGCTGTGCAG[G>T]TATGCAGAGAGACTGGCCGGGCCCAGGGTTAGCGGGGTGGGATTTGGTTGCGCTGGTTGA-3'